The following is an entry in ClinVar:

NM_001077365.2(POMT1):c.110C>T (p.Pro37Leu)

Gene: POMT1 (protein O-mannosyltransferase 1; plus strand). Cytogenetic location: 9q34.13.
Variant type: single nucleotide variant.
Coding change: c.110C>T on transcript NM_001077365.2 (MANE Select); coding-DNA position 110, C replaced by T.
Protein change: p.Pro37Leu; replaces proline 37 with leucine.
Molecular consequence: missense variant. On other transcripts: 5 prime UTR variant (4), non-coding transcript variant (4), intron variant (10).
Genome position (GRCh38, 1-based): chr9:131,504,328, C>T. VCF-style: chr9-131504328-C-T. GRCh37 (hg19) VCF-style: chr9-134379715-C-T.
Other names: c.110C>T, p.Pro37Leu (NM_001136113.2, NM_001353193.2, NM_001353196.2 and 2 more transcripts); c.-135C>T (NM_001353195.2); c.-362C>T (NM_001353198.2); c.-84C>T (NM_001374692.1); c.-42C>T (NM_001374695.1); c.-41+1015C>T (NM_001353194.2); c.-72+1015C>T (NM_001374691.1); c.-41+1255C>T (NM_001374689.1, NM_001353197.2, NM_001077366.2 and 1 more transcripts); and 3 more; short protein forms P37L.
Identifiers: ClinVar variation 3377678 (VCV003377678.1).

ClinVar aggregate classification (germline): Uncertain significance (1 of 4 stars; one submission).

Conditions:
Autosomal recessive limb-girdle muscular dystrophy type 2K. Also called: MUSCULAR DYSTROPHY-DYSTROGLYCANOPATHY (LIMB-GIRDLE), TYPE C, 1; MUSCULAR DYSTROPHY, LIMB-GIRDLE, TYPE 2K. Identifiers: Orphanet 86812, MedGen C1836373, MONDO:0012248, OMIM 609308.

gnomAD v4.1: 14 of 1,614,208 alleles (0.00087%); highest among the groups gnomAD compares: Non-Finnish European, 0.001%; no homozygotes.

Submission:

Neuberg Centre For Genomic Medicine, NCGM
Classification: Uncertain significance for Autosomal recessive limb-girdle muscular dystrophy type 2K. Last evaluated: 2023-06-22. Review status: criteria provided, single submitter. Criteria: ACMG Guidelines, 2015. Collection method: clinical testing. Allele origin: germline. Inheritance: Autosomal recessive inheritance. Affected: yes.
Comment: The observed missense c.110C>T (p.Pro37Leu) variant in POMT1 gene has been reported previously in compound heterozygous state in an individual affected with congenital muscular dystrophy with mental retardation (Song et al., 2021). The p.Pro37Leu variant is present with allele frequency of 0.0004% in gnomAD Exomes. This variant has not been submitted to the ClinVar database. Multiple lines of computational evidence (Polyphen - Probably Damaging, SIFT - Damaging and MutationTaster - Disease causing) predict a damaging effect on protein structure and function for this variant. The reference amino acid of p.Pro37Leu in POMT1 is predicted as conserved by GERP++ and PhyloP across 100 vertebrates. The amino acid Pro at position 37 is changed to a Leu changing protein sequence and it might alter its composition and physico-chemical properties. Additional functional studies will be required to prove the pathogenicity of this variant. For these reasons, this variant has been classified as a Variant of Uncertain Significance (VUS).